The following is an entry in ClinVar:

NM_001367561.1(DOCK7):c.3446C>T (p.Pro1149Leu)

Gene: DOCK7 (dedicator of cytokinesis 7; minus strand). Cytogenetic location: 1p31.3.
Variant type: single nucleotide variant.
Coding change: c.3446C>T on transcript NM_001367561.1 (MANE Select); coding-DNA position 3446, C replaced by T.
Protein change: p.Pro1149Leu; replaces proline 1149 with leucine.
Molecular consequence: missense variant.
Genome position (GRCh38, 1-based): chr1:62,537,916, G>A on the plus strand (C>T on the coding strand, the complement: DOCK7 is on the minus strand). VCF-style: chr1-62537916-G-A. GRCh37 (hg19) VCF-style: chr1-63003587-G-A.
Other names: c.3446C>T, p.Pro1149Leu (NM_001271999.2, NM_001330614.2); c.3353C>T, p.Pro1118Leu (NM_001272000.2, NM_001272001.2, NM_033407.4); short protein forms P1118L, P1149L.
Identifiers: ClinVar variation 565641 (VCV000565641.9), dbSNP rs867431095, ClinGen allele CA340606445.

ClinVar aggregate classification (germline): Uncertain significance (1 of 4 stars; one submission).

Conditions:
Developmental and epileptic encephalopathy, 23 (DEE23). Also called: Epileptic encephalopathy, early infantile, 23. Identifiers: Orphanet 411986, MedGen C4014492, MONDO:0014371, OMIM 615859.

Submission:

Labcorp Genetics (formerly Invitae), Labcorp
Classification: Uncertain significance for Developmental and epileptic encephalopathy, 23. Last evaluated: 2022-11-22. Review status: criteria provided, single submitter. Criteria: Invitae Variant Classification Sherloc (09022015). Collection method: clinical testing. Allele origin: germline.
Comment: This sequence change replaces proline, which is neutral and non-polar, with leucine, which is neutral and non-polar, at codon 1149 of the DOCK7 protein (p.Pro1149Leu). This variant is not present in population databases (gnomAD no frequency). This variant has not been reported in the literature in individuals affected with DOCK7-related conditions. ClinVar contains an entry for this variant (Variation ID: 565641). In summary, the available evidence is currently insufficient to determine the role of this variant in disease. Therefore, it has been classified as a Variant of Uncertain Significance. Advanced modeling of protein sequence and biophysical properties (such as structural, functional, and spatial information, amino acid conservation, physicochemical variation, residue mobility, and thermodynamic stability) performed at Invitae indicates that this missense variant is not expected to disrupt DOCK7 protein function.